The following is an entry in ClinVar:

NM_001330195.2(NRXN3):c.915T>C (p.Tyr305=)

Gene: NRXN3 (neurexin 3; plus strand). Cytogenetic location: 14q24.3.
Variant type: single nucleotide variant.
Coding change: c.915T>C on transcript NM_001330195.2 (MANE Select); coding-DNA position 915, T replaced by C.
Protein change: p.Tyr305=; no amino-acid change (tyrosine 305 retained).
Molecular consequence: synonymous variant. On other transcripts: 5 prime UTR variant (1), non-coding transcript variant (4).
Genome position (GRCh38, 1-based): chr14:78,645,277, T>C. VCF-style: chr14-78645277-T-C. GRCh37 (hg19) VCF-style: chr14-79111620-T-C.
Other names: c.915T>C, p.Tyr305= (NM_001366425.1); c.927T>C, p.Tyr309= (NM_001366426.1); c.-205T>C (NM_004796.6).
Identifiers: ClinVar variation 3047534 (VCV003047534.2), dbSNP rs2097675391, ClinGen allele CA2148943928.
Genomic context (GRCh38, chr14:78,645,277, plus strand): 5'-CTCCTTTAAGACCTGGCAGCGTAACGGCCTCATCCTGCACACGGGCAAGTCGGCTGACTA[T>C]GTCAACCTGGCTCTGAAGGATGGTGCGGTCTCCTTGGTCATTAACCTGGGGTCCGGGGCC-3'
Protein context (NP_001317124.1, residues 295-315): LILHTGKSAD[Tyr305=]VNLALKDGAV

ClinVar aggregate classification (germline): Likely benign (0 of 4 stars; one submission).

Conditions:
NRXN3-related disorder. Also called: NRXN3-related condition.

Allele frequency attached by ClinVar (database versions not stated): TOPMed below 0.00001.

Submission:

PreventionGenetics, part of Exact Sciences
Classification: Likely benign for NRXN3-related condition. Last evaluated: 2019-03-25. Review status: no assertion criteria provided. Collection method: clinical testing. Allele origin: germline.
Comment: This variant is classified as likely benign based on ACMG/AMP sequence variant interpretation guidelines (Richards et al. 2015 PMID: 25741868, with internal and published modifications).